The following is an entry in ClinVar:

ClinVar aggregate classification (germline): Pathogenic/Likely pathogenic. Review status: criteria provided, multiple submitters, no conflicts (2 of 4 stars). 3 submissions from 3 submitters: Pathogenic (1); Likely pathogenic (2). Last evaluated 2024-05-20.

Conditions:
Spondyloepiphyseal dysplasia with congenital joint dislocations (SEDCJD). Also called: Chondrodysplasia with Congenital Joint Dislocations, CHST3-Related. Identifiers: Orphanet 263463, MedGen C1837657, MONDO:0007738, OMIM 143095.

Allele frequency attached by ClinVar (database versions not stated): TOPMed below 0.00001; ExAC 0.00001; gnomAD 0.00001.
gnomAD v4.1: 10 of 1,607,458 alleles (0.00062%); highest among the groups gnomAD compares: South Asian, 0.0066%; no homozygotes.

Submissions (3):

Labcorp Genetics (formerly Invitae), Labcorp
Classification: Pathogenic for Spondyloepiphyseal dysplasia with congenital joint dislocations. Last evaluated: 2024-05-20. Review status: criteria provided, single submitter. Criteria: Invitae Variant Classification Sherloc (09022015). Collection method: clinical testing. Allele origin: germline.
Comment: This sequence change replaces arginine, which is basic and polar, with cysteine, which is neutral and slightly polar, at codon 221 of the CHST3 protein (p.Arg221Cys). This variant is present in population databases (rs746848315, gnomAD 0.007%). This missense change has been observed in individuals with spondyloepiphyseal dysplasia (PMID: 20830804, 36042462). ClinVar contains an entry for this variant (Variation ID: 2136893). Advanced modeling of protein sequence and biophysical properties (such as structural, functional, and spatial information, amino acid conservation, physicochemical variation, residue mobility, and thermodynamic stability) performed at Invitae indicates that this missense variant is expected to disrupt CHST3 protein function with a positive predictive value of 80%. For these reasons, this variant has been classified as Pathogenic.

Neuberg Centre For Genomic Medicine, NCGM
Classification: Likely pathogenic for Spondyloepiphyseal dysplasia with congenital joint dislocations. Last evaluated: 2023-05-20. Review status: criteria provided, single submitter. Criteria: ACMG Guidelines, 2015. Collection method: clinical testing. Allele origin: germline. Inheritance: Autosomal recessive inheritance. Affected: yes.
Comment: The observed missense variant c.661C>T(p.Arg221Cys) in the CHST3 gene has been reported previously in homozygous state in individual(s) with CHST3 deficiency (Unger S, et al., 2010). This variant is reported with the allele frequency 0.001% in the gnomAD Exomes. This variant has been reported to the ClinVar database as Likely Pathogenic. The amino acid Arginine at position 221 is changed to a Cysteine changing protein sequence and it might alter its composition and physico-chemical properties. Multiple lines of computational evidence (Polyphen - Possibly damaging, SIFT – Damaging and MutationTaster - Disease causing) predict a damaging effect on protein structure and function for this variant. The residue is conserved by GERP++ and PhyloP across 100 vertebrates. For these reasons, this variant has been classified as Likely Pathogenic.

GeneDx
Classification: Likely pathogenic. Last evaluated: 2022-12-06. Review status: criteria provided, single submitter. Criteria: GeneDx Variant Classification Process June 2021. Collection method: clinical testing. Allele origin: germline. Affected: yes.
Comment: Not observed at significant frequency in large population cohorts (gnomAD); In silico analysis supports that this missense variant has a deleterious effect on protein structure/function; This variant is associated with the following publications: (PMID: Mizumoto2018[Review], 20830804, 36042462)

Literature cited by the submitters: PubMed 20830804 (cited by Labcorp Genetics (formerly Invitae), Labcorp); PubMed 36042462 (cited by Labcorp Genetics (formerly Invitae), Labcorp).

NM_004273.5(CHST3):c.661C>T (p.Arg221Cys)

Gene: CHST3 (carbohydrate sulfotransferase 3; plus strand). Cytogenetic location: 10q22.1.
Variant type: single nucleotide variant.
Coding change: c.661C>T on transcript NM_004273.5 (MANE Select); coding-DNA position 661, C replaced by T.
Protein change: p.Arg221Cys; replaces arginine 221 with cysteine.
Molecular consequence: missense variant.
Genome position (GRCh38, 1-based): chr10:72,007,692, C>T. VCF-style: chr10-72007692-C-T. GRCh37 (hg19) VCF-style: chr10-73767450-C-T.
Other names: c.661C>T (NM_004273.4); short protein forms R221C.
Identifiers: ClinVar variation 2136893 (VCV002136893.6), dbSNP rs746848315, ClinGen allele CA5548142.